The following is an entry in ClinVar:

NM_016120.4(RLIM):c.82C>G (p.Arg28Gly)

Gene: RLIM (ring finger protein, LIM domain interacting; minus strand). Cytogenetic location: Xq13.2.
Variant type: single nucleotide variant.
Coding change: c.82C>G on transcript NM_016120.4 (MANE Select); coding-DNA position 82, C replaced by G.
Protein change: p.Arg28Gly; replaces arginine 28 with glycine.
Molecular consequence: missense variant.
Genome position (GRCh38, 1-based): chrX:74,595,896, G>C on the plus strand (C>G on the coding strand, the complement: RLIM is on the minus strand). VCF-style: chrX-74595896-G-C. GRCh37 (hg19) VCF-style: chrX-73815731-G-C.
Other names: c.82C>G, p.Arg28Gly (NM_183353.3); short protein forms R28G.
Identifiers: ClinVar variation 3903154 (VCV003903154.1).

ClinVar aggregate classification (germline): Uncertain significance (1 of 4 stars; one submission).

Submission:

GeneDx
Classification: Uncertain significance. Last evaluated: 2024-12-16. Review status: criteria provided, single submitter. Criteria: GeneDx Variant Classification Process June 2021. Collection method: clinical testing. Allele origin: germline. Affected: yes.
Comment: Not observed at significant frequency in large population cohorts (gnomAD); In silico analysis supports that this missense variant has a deleterious effect on protein structure/function; Has not been previously published as pathogenic or benign to our knowledge